The following is an entry in ClinVar:

ClinVar aggregate classification (germline): Uncertain significance (1 of 4 stars; one submission).

Submission:

GeneDx
Classification: Uncertain significance. Last evaluated: 2023-07-25. Review status: criteria provided, single submitter. Criteria: GeneDx Variant Classification Process June 2021. Collection method: clinical testing. Allele origin: germline. Affected: yes.
Comment: Not observed at significant frequency in large population cohorts (gnomAD); In silico analysis supports that this missense variant has a deleterious effect on protein structure/function; Has not been previously published as pathogenic or benign to our knowledge

NM_001348323.3(TRIP12):c.5042T>C (p.Met1681Thr)

Gene: TRIP12 (thyroid hormone receptor interactor 12; minus strand). Cytogenetic location: 2q36.3.
Variant type: single nucleotide variant.
Coding change: c.5042T>C on transcript NM_001348323.3 (MANE Select); coding-DNA position 5042, T replaced by C.
Protein change: p.Met1681Thr; replaces methionine 1681 with threonine.
Molecular consequence: missense variant.
Genome position (GRCh38, 1-based): chr2:229,785,809, A>G on the plus strand (T>C on the coding strand, the complement: TRIP12 is on the minus strand). VCF-style: chr2-229785809-A-G. GRCh37 (hg19) VCF-style: chr2-230650525-A-G.
Other names: c.4961T>C, p.Met1654Thr (NM_001284214.2, NM_001348315.2); c.4916T>C, p.Met1639Thr (NM_001284215.2, NM_001348316.2); c.4007T>C, p.Met1336Thr (NM_001284216.2); c.4901T>C, p.Met1634Thr (NM_001348317.1, NM_001348318.2); c.5027T>C, p.Met1676Thr (NM_001348319.1, NM_001348320.2); c.5030T>C, p.Met1677Thr (NM_001348321.1); c.5042T>C, p.Met1681Thr (NM_001348322.1, NM_001348324.2, NM_001348325.2 and 2 more transcripts); c.5045T>C, p.Met1682Thr (NM_001348328.1, NM_001348329.2, NM_001348330.2); and 4 more; short protein forms M1336T, M1606T, M1607T, M1634T, M1639T, M1647T, M1654T, M1655T.
Identifiers: ClinVar variation 3361503 (VCV003361503.1).